The following is an entry in ClinVar:

ClinVar aggregate classification (germline): Likely benign (0 of 4 stars; one submission).

Conditions:
PLD1-related disorder. Also called: PLD1-related condition.

gnomAD v4.1: 11 of 1,612,924 alleles (0.00068%); highest among the groups gnomAD compares: African/African-American, 0.004%; no homozygotes.

Submission:

PreventionGenetics, part of Exact Sciences
Classification: Likely benign for PLD1-related condition. Last evaluated: 2024-08-01. Review status: no assertion criteria provided. Collection method: clinical testing. Allele origin: germline.
Comment: This variant is classified as likely benign based on ACMG/AMP sequence variant interpretation guidelines (Richards et al. 2015 PMID: 25741868, with internal and published modifications).

NM_002662.5(PLD1):c.879G>A (p.Thr293=)

Gene: PLD1 (phospholipase D1; minus strand). Cytogenetic location: 3q26.31.
Variant type: single nucleotide variant.
Coding change: c.879G>A on transcript NM_002662.5 (MANE Select); coding-DNA position 879, G replaced by A.
Protein change: p.Thr293=; no amino-acid change (threonine 293 retained).
Molecular consequence: synonymous variant.
Genome position (GRCh38, 1-based): chr3:171,713,925, C>T on the plus strand (G>A on the coding strand, the complement: PLD1 is on the minus strand). VCF-style: chr3-171713925-C-T. GRCh37 (hg19) VCF-style: chr3-171431715-C-T.
Other names: c.879G>A, p.Thr293= (NM_001130081.3).
Identifiers: ClinVar variation 3347681 (VCV003347681.1).